The following is an entry in ClinVar:

ClinVar aggregate classification (germline): Uncertain significance (1 of 4 stars; one submission).

Submission:

Ambry Genetics
Classification: Uncertain significance. Last evaluated: 2025-05-05. Review status: criteria provided, single submitter. Criteria: Ambry Variant Classification Scheme 2023. Collection method: clinical testing. Allele origin: germline.
Comment: The p.L99F variant (also known as c.295C>T), located in coding exon 1 of the MC1R gene, results from a C to T substitution at nucleotide position 295. The leucine at codon 99 is replaced by phenylalanine, an amino acid with highly similar properties. This amino acid position is conserved. In addition, this alteration is predicted to be tolerated by in silico analysis. Based on the available evidence, the clinical significance of this variant remains unclear.

NM_002386.4(MC1R):c.295C>T (p.Leu99Phe)

Gene: MC1R (melanocortin 1 receptor; plus strand). Cytogenetic location: 16q24.3.
Variant type: single nucleotide variant.
Coding change: c.295C>T on transcript NM_002386.4 (MANE Select); coding-DNA position 295, C replaced by T.
Protein change: p.Leu99Phe; replaces leucine 99 with phenylalanine.
Molecular consequence: missense variant.
Genome position (GRCh38, 1-based): chr16:89,919,553, C>T. VCF-style: chr16-89919553-C-T. GRCh37 (hg19) VCF-style: chr16-89985961-C-T.
Other names: short protein forms L99F.
Identifiers: ClinVar variation 4052428 (VCV004052428.1).